The following is an entry in ClinVar:

NM_006005.3(WFS1):c.1929C>T (p.Ile643=)

Gene: WFS1 (wolframin ER transmembrane glycoprotein; plus strand). Cytogenetic location: 4p16.1.
Variant type: single nucleotide variant.
Coding change: c.1929C>T on transcript NM_006005.3 (MANE Select); coding-DNA position 1929, C replaced by T.
Protein change: p.Ile643=; no amino-acid change (isoleucine 643 retained).
Molecular consequence: synonymous variant.
Genome position (GRCh38, 1-based): chr4:6,301,724, C>T. VCF-style: chr4-6301724-C-T. GRCh37 (hg19) VCF-style: chr4-6303451-C-T.
Other names: c.1929C>T, p.Ile643= (NM_001145853.1).
Identifiers: ClinVar variation 386434 (VCV000386434.9), dbSNP rs544473222, ClinGen allele CA2839549.

ClinVar aggregate classification (germline): Benign/Likely benign. Review status: criteria provided, multiple submitters, no conflicts (2 of 4 stars). 5 submissions from 5 submitters: Benign (1); Likely benign (4). Last evaluated 2025-10-29.

Conditions:
Autosomal dominant nonsyndromic hearing loss 6 (LFSNHL). Also called: Autosomal dominant nonsyndromic deafness 6; DEAFNESS, AUTOSOMAL DOMINANT 6; DEAFNESS, AUTOSOMAL DOMINANT 14; DEAFNESS, AUTOSOMAL DOMINANT 38. Identifiers: Orphanet 90635, MedGen C1833021, MONDO:0010963, OMIM 600965.
Type 2 diabetes mellitus. Also called: Type II diabetes mellitus. Identifiers: MedGen C0011860, MeSH D003924, MONDO:0005148, OMIM 125853, HP:0005978.
Wolfram-like syndrome. Also called: HEARING LOSS, PROGRESSIVE, WITH OPTIC ATROPHY AND/OR IMPAIRED GLUCOSE REGULATION. Identifiers: Orphanet 411590, MedGen C3280358, MONDO:0013673, OMIM 614296.
Wolfram syndrome 1 (WFS1). Identifiers: Orphanet 3463, MedGen C4551693, MONDO:0009101, OMIM 222300.
Cataract 41 (CTRCT41). Also called: CATARACT 41, CONGENITAL NUCLEAR TYPE. Identifiers: Orphanet 91492, Orphanet 98991, Orphanet 98992, Orphanet 98995, MedGen C3805412, MONDO:0007287, OMIM 116400.

Allele frequency attached by ClinVar (database versions not stated): gnomAD 0.00004; TOPMed 0.00005.
gnomAD v4.1: 24 of 1,613,936 alleles (0.0015%); highest among the groups gnomAD compares: East Asian, 0.02%; no homozygotes.

Submissions (5):

Labcorp Genetics (formerly Invitae), Labcorp
Classification: Likely benign. Last evaluated: 2025-10-29. Review status: criteria provided, single submitter. Criteria: Invitae Variant Classification Sherloc (09022015). Collection method: clinical testing. Allele origin: germline.

Blueprint Genetics
Classification: Likely benign. Last evaluated: 2022-03-24. Review status: criteria provided, single submitter. Criteria: ACMG Guidelines, 2015. Collection method: clinical testing. Allele origin: germline.

Fulgent Genetics
Classification: Likely benign for Cataract 41; Type 2 diabetes mellitus; Wolfram syndrome 1; Autosomal dominant nonsyndromic hearing loss 6; Wolfram-like syndrome. Last evaluated: 2021-10-28. Review status: criteria provided, single submitter. Criteria: ACMG Guidelines, 2015. Collection method: clinical testing. Allele origin: unknown.

GeneDx
Classification: Likely benign. Last evaluated: 2016-06-09. Review status: criteria provided, single submitter. Criteria: GeneDx Variant Classification (06012015). Collection method: clinical testing. Allele origin: germline. Affected: yes.
Comment: This variant is considered likely benign or benign based on one or more of the following criteria: it is a conservative change, it occurs at a poorly conserved position in the protein, it is predicted to be benign by multiple in silico algorithms, and/or has population frequency not consistent with disease.

Clinical Genomics, Uppaluri K&H Personalized Medicine Clinic
Classification: Benign for Wolfram syndrome 1. Review status: criteria provided, single submitter. Criteria: K & H Uppaluri Personalized Medicine Clinic Variant Classification & Assertion Criteria_Updated V.1. Collection method: research. Allele origin: unknown. Inheritance: Autosomal recessive inheritance.
Comment: Potent mutations in WFS1 gene are associated with Wolfram's syndrome, an autosomal recessive condition, which cause diabetes mellitus, diabetes insipidus, deafness and optic atrophy. However no sufficient evidence is found to ascertain the role of this particular variant rs544473222 in Wolfram's syndrome yet.

Literature cited by the submitters: PubMed 20738327 (cited by Clinical Genomics, Uppaluri K&H Personalized Medicine Clinic); PubMed 33879153 (cited by Clinical Genomics, Uppaluri K&H Personalized Medicine Clinic); PubMed 12955714 (cited by Clinical Genomics, Uppaluri K&H Personalized Medicine Clinic); PubMed 18060660 (cited by Clinical Genomics, Uppaluri K&H Personalized Medicine Clinic); PubMed 20301750 (cited by Clinical Genomics, Uppaluri K&H Personalized Medicine Clinic); PubMed 17603484 (cited by Clinical Genomics, Uppaluri K&H Personalized Medicine Clinic).